The following is an entry in ClinVar:

ClinVar aggregate classification (germline): Uncertain significance (1 of 4 stars; one submission).

Conditions:
Norman-Roberts syndrome (LIS2). Also called: Lissencephaly 2 (Norman-Roberts type). Identifiers: Orphanet 89844, MedGen C0796089, MONDO:0009760, OMIM 257320.
Familial temporal lobe epilepsy 7. Identifiers: Orphanet 101046, MedGen C4225327, MONDO:0014639, OMIM 616436.

gnomAD v4.1: 1 of 1,613,638 alleles (0.000062%); no homozygotes.

Submission:

Labcorp Genetics (formerly Invitae), Labcorp
Classification: Uncertain significance for Familial temporal lobe epilepsy 7; Norman-Roberts syndrome. Last evaluated: 2024-06-24. Review status: criteria provided, single submitter. Criteria: Invitae Variant Classification Sherloc (09022015). Collection method: clinical testing. Allele origin: germline.
Comment: This sequence change replaces valine, which is neutral and non-polar, with leucine, which is neutral and non-polar, at codon 2092 of the RELN protein (p.Val2092Leu). This variant is not present in population databases (gnomAD no frequency). This variant has not been reported in the literature in individuals affected with RELN-related conditions. ClinVar contains an entry for this variant (Variation ID: 1025891). Advanced modeling of protein sequence and biophysical properties (such as structural, functional, and spatial information, amino acid conservation, physicochemical variation, residue mobility, and thermodynamic stability) performed at Invitae indicates that this missense variant is not expected to disrupt RELN protein function with a negative predictive value of 80%. In summary, the available evidence is currently insufficient to determine the role of this variant in disease. Therefore, it has been classified as a Variant of Uncertain Significance.

NM_005045.4(RELN):c.6274G>C (p.Val2092Leu)

Gene: RELN (reelin; minus strand). Cytogenetic location: 7q22.1.
Variant type: single nucleotide variant.
Coding change: c.6274G>C on transcript NM_005045.4 (MANE Select); coding-DNA position 6274, G replaced by C.
Protein change: p.Val2092Leu; replaces valine 2092 with leucine.
Molecular consequence: missense variant.
Genome position (GRCh38, 1-based): chr7:103,551,095, C>G on the plus strand (G>C on the coding strand, the complement: RELN is on the minus strand). VCF-style: chr7-103551095-C-G. GRCh37 (hg19) VCF-style: chr7-103191542-C-G.
Other names: c.6274G>C, p.Val2092Leu (NM_173054.3); short protein forms V2092L.
Identifiers: ClinVar variation 1025891 (VCV001025891.6), dbSNP rs752081680, ClinGen allele CA368737637.